The following is an entry in ClinVar:

NM_022765.4(MICAL1):c.2637AGA[2] (p.Glu881del)

Gene: MICAL1 (microtubule associated monooxygenase, calponin and LIM domain containing 1; minus strand). Cytogenetic location: 6q21.
Variant type: Microsatellite.
Coding change: c.2637AGA[2] on transcript NM_022765.4 (MANE Select); two copies in a row of the 3-base unit AGA starting at c.2637; the reference has three copies in a row; one copy, 3 bases deleted.
Protein change: p.Glu881del; deletes glutamic acid 881.
Molecular consequence: inframe deletion.
Genome position (GRCh38, 1-based): chr6:109,445,799-109,445,801, TCT deleted on the plus strand (AGA on the coding strand, the reverse complement: MICAL1 is on the minus strand); deleting any 3 consecutive bases within chr6:109,445,799-109,445,809 gives the same sequence; the position shown is the placement nearest the transcript's 3' end. VCF-style (leftmost placement, unchanged base first): chr6-109445798-ATCT-A. GRCh37 (hg19) VCF-style: chr6-109767001-ATCT-A.
Other names: c.2379AGA[2], p.Glu795del (NM_001159291.2); c.2694AGA[2], p.Glu900del (NM_001286613.2); short protein forms E795del, E881del, E900del.
Identifiers: ClinVar variation 1373506 (VCV001373506.10), dbSNP rs541748030, ClinGen allele CA3952825.
Genomic context (GRCh38, chr6:109,445,798, plus strand): 5'-GAGCGTTTTGTGGCTGCACGCTGGCCCACTCACCTGTTCCACATCTGAGTCCAAAGGCAC[ATCT>A]TCTTCTTCCTCTTCACTGGAGAAGGGACTCTCTTTTTCCTCCTTCTCCATGGCCACAAGA-3'

ClinVar aggregate classification (germline): Likely benign. Review status: criteria provided, multiple submitters, no conflicts (2 of 4 stars). 2 submissions from 2 submitters: Likely benign (2). Last evaluated 2026-06-01.

Submissions (2):

CeGaT Center for Human Genetics Tuebingen
Classification: Likely benign. Last evaluated: 2026-06-01. Review status: criteria provided, single submitter. Criteria: CeGaT Center For Human Genetics Tuebingen Variant Classification Criteria Version 2. Collection method: clinical testing. Allele origin: germline. Affected: yes. Observed: 1 variant allele.
Comment: MICAL1: PM4:Supporting, BS1

Labcorp Genetics (formerly Invitae), Labcorp
Classification: Likely benign. Last evaluated: 2026-01-31. Review status: criteria provided, single submitter. Criteria: Invitae Variant Classification Sherloc (09022015). Collection method: clinical testing. Allele origin: germline.